The following is an entry in ClinVar:

NM_015443.4(KANSL1):c.2323C>T (p.Pro775Ser)

Gene: KANSL1 (KAT8 regulatory NSL complex subunit 1). Cytogenetic location: 17q21.31.
Variant type: single nucleotide variant.
Coding change: c.2323C>T on transcript NM_015443.4 (MANE Select); coding-DNA position 2323, C replaced by T.
Protein change: p.Pro775Ser; replaces proline 775 with serine.
Molecular consequence: missense variant. On other transcripts: intron variant (8).
Genome position (GRCh38, 1-based): chr17:46,039,096, G>A on the plus strand (C>T on the coding strand, the complement: KANSL1 is on the minus strand). VCF-style: chr17-46039096-G-A. GRCh37 (hg19) VCF-style: chr17-44116462-G-A.
Other names: c.2204-410C>T (NM_001405877.1, NM_001405876.1, NM_001405879.1 and 3 more transcripts); c.2323C>T, p.Pro775Ser (NM_001193465.2, NM_001193466.2, NM_001379198.1 and 8 more transcripts); c.2221C>T, p.Pro741Ser (NM_001405859.1, NM_001405860.1, NM_001405861.1 and 1 more transcripts); c.1057C>T, p.Pro353Ser (NM_001405882.1, NM_001405883.1); c.938-410C>T (NM_001405885.1, NM_001405884.1); short protein forms P353S, P775S, P741S.
Identifiers: ClinVar variation 2980693 (VCV002980693.3), dbSNP rs2510481882, ClinGen allele CA399981031.

ClinVar aggregate classification (germline): Uncertain significance (1 of 4 stars; one submission).

Conditions:
Koolen-de Vries syndrome (KDVS). Identifiers: Orphanet 96169, MedGen C1864871, MONDO:0012496, OMIM 610443.

Submission:

Labcorp Genetics (formerly Invitae), Labcorp
Classification: Uncertain significance for Koolen-de Vries syndrome. Last evaluated: 2023-03-08. Review status: criteria provided, single submitter. Criteria: Invitae Variant Classification Sherloc (09022015). Collection method: clinical testing. Allele origin: germline.
Comment: This sequence change replaces proline, which is neutral and non-polar, with serine, which is neutral and polar, at codon 775 of the KANSL1 protein (p.Pro775Ser). This variant is not present in population databases (gnomAD no frequency). This variant has not been reported in the literature in individuals affected with KANSL1-related conditions. An algorithm developed to predict the effect of missense changes on protein structure and function (PolyPhen-2) suggests that this variant is likely to be disruptive. In summary, the available evidence is currently insufficient to determine the role of this variant in disease. Therefore, it has been classified as a Variant of Uncertain Significance.